The following is an entry in ClinVar:

ClinVar aggregate classification (germline): Conflicting classifications of pathogenicity. Review status: criteria provided, conflicting classifications (1 of 4 stars). 2 submissions from 2 submitters: Uncertain significance (1); Likely benign (1). Last evaluated 2026-01-21.

Allele frequency attached by ClinVar (database versions not stated): gnomAD 0.00003; TOPMed 0.00004; ExAC 0.00024.
gnomAD v4.1: 79 of 1,614,038 alleles (0.0049%); highest among the groups gnomAD compares: Admixed American, 0.12%; no homozygotes.

Submissions (2):

Labcorp Genetics (formerly Invitae), Labcorp
Classification: Likely benign. Last evaluated: 2026-01-21. Review status: criteria provided, single submitter. Criteria: Invitae Variant Classification Sherloc (09022015). Collection method: clinical testing. Allele origin: germline.

GeneDx
Classification: Uncertain significance. Last evaluated: 2018-10-02. Review status: criteria provided, single submitter. Criteria: GeneDx Variant Classification (06012015). Collection method: clinical testing. Allele origin: germline. Affected: yes.
Comment: The D88N variant has not been published as a mutation, nor has it been reported as a benign polymorphism to our knowledge. The D88N variant is a semi-conservative amino acid substitution, which may impact secondary protein structure as these residues differ in some properties. This substitution occurs at a position that is conserved across species. In silico analysis predicts this variant is probably damaging to the protein structure/function. Therefore, based on the currently available information, it is unclear whether this variant is a pathogenic mutation or a rare benign variant.

NM_004553.6(NDUFS6):c.262G>A (p.Asp88Asn)

Gene: NDUFS6 (NADH:ubiquinone oxidoreductase subunit S6; plus strand). Cytogenetic location: 5p15.33.
Variant type: single nucleotide variant.
Coding change: c.262G>A on transcript NM_004553.6 (MANE Select); coding-DNA position 262, G replaced by A.
Protein change: p.Asp88Asn; replaces aspartic acid 88 with asparagine.
Molecular consequence: missense variant.
Genome position (GRCh38, 1-based): chr5:1,814,414, G>A. VCF-style: chr5-1814414-G-A. GRCh37 (hg19) VCF-style: chr5-1814528-G-A.
Other names: p.D88N:GAT>AAT; short protein forms D88N.
Identifiers: ClinVar variation 214823 (VCV000214823.12), dbSNP rs747442701, ClinGen allele CA324518.